The following is an entry in ClinVar:

ClinVar aggregate classification (germline): Benign (1 of 4 stars; one submission).

Allele frequency attached by ClinVar (database versions not stated): 1000 Genomes Project 0.21306; 1000 Genomes Project 30x 0.21424; TOPMed 0.26247; gnomAD 0.26363 and 0.26364.
gnomAD v4.1: 40,124 of 151,584 alleles (26%); highest among the groups gnomAD compares: Middle Eastern, 48%; 5,674 homozygotes.

Submission:

GeneDx
Classification: Benign. Last evaluated: 2018-06-14. Review status: criteria provided, single submitter. Criteria: GeneDx Variant Classification (06012015). Collection method: clinical testing. Allele origin: germline. Affected: yes.
Comment: This variant is considered likely benign or benign based on one or more of the following criteria: it is a conservative change, it occurs at a poorly conserved position in the protein, it is predicted to be benign by multiple in silico algorithms, and/or has population frequency not consistent with disease.

NM_001165963.4(SCN1A):c.3550+212G>T

Genes: SCN1A (sodium voltage-gated channel alpha subunit 1; minus strand), LOC102724058 (uncharacterized LOC102724058; plus strand). Cytogenetic location: 2q24.3.
Variant type: single nucleotide variant.
Coding change: c.3550+212G>T on transcript NM_001165963.4 (MANE Select); 212 bases into the intron after coding-DNA position 3550, G replaced by T.
Molecular consequence: intron variant.
Genome position (GRCh38, 1-based): chr2:166,015,395, C>A on the plus strand (G>T on the coding strand, the complement: SCN1A is on the minus strand). VCF-style: chr2-166015395-C-A. GRCh37 (hg19) VCF-style: chr2-166871905-C-A.
Other names: c.3517+212G>T (NM_001353949.2, NM_001353950.2, NM_001353951.2 and 2 more transcripts); c.3466+212G>T (NM_001353958.2, NM_001353957.2, NM_001165964.3); c.3550+212G>T (NM_001202435.3, NM_001353948.2); c.3514+212G>T (NM_001353955.2, NM_001353954.2); c.3463+212G>T (NM_001353960.2); c.1108+212G>T (NM_001353961.2).
Identifiers: ClinVar variation 670516 (VCV000670516.1), dbSNP rs577306, ClinGen allele CA59775511.
Genomic context (GRCh38, chr2:166,015,395, plus strand): 5'-AAATCACTACTTACTTTAAAAATATAAGTTAGAAGTTTTGATGGTACTAAAATATTTTTC[C>A]TCCATGTTCTTAATCTCTTCCACATATTGGGCAGATATAATCAAAGCATGACACTAGACT-3'